The following is an entry in ClinVar:

NM_133497.4(KCNV2):c.995G>A (p.Arg332His)

Gene: KCNV2 (potassium voltage-gated channel modifier subfamily V member 2; plus strand). Cytogenetic location: 9p24.2.
Variant type: single nucleotide variant.
Coding change: c.995G>A on transcript NM_133497.4 (MANE Select); coding-DNA position 995, G replaced by A.
Protein change: p.Arg332His; replaces arginine 332 with histidine.
Molecular consequence: missense variant.
Genome position (GRCh38, 1-based): chr9:2,718,734, G>A. VCF-style: chr9-2718734-G-A. GRCh37 (hg19) VCF-style: chr9-2718734-G-A.
Other names: short protein forms R332H.
Identifiers: ClinVar variation 1014151 (VCV001014151.8), dbSNP rs765751812, ClinGen allele CA372801254.

ClinVar aggregate classification (germline): Uncertain significance (1 of 4 stars; one submission).

Allele frequency attached by ClinVar (database versions not stated): TOPMed 0.00001.
gnomAD v4.1: 9 of 1,612,316 alleles (0.00056%); highest among the groups gnomAD compares: Non-Finnish European, 0.00076%; no homozygotes.

Submission:

Labcorp Genetics (formerly Invitae), Labcorp
Classification: Uncertain significance. Last evaluated: 2022-08-19. Review status: criteria provided, single submitter. Criteria: Invitae Variant Classification Sherloc (09022015). Collection method: clinical testing. Allele origin: germline.
Comment: In summary, the available evidence is currently insufficient to determine the role of this variant in disease. Therefore, it has been classified as a Variant of Uncertain Significance. Algorithms developed to predict the effect of missense changes on protein structure and function are either unavailable or do not agree on the potential impact of this missense change (SIFT: "Deleterious"; PolyPhen-2: "Probably Damaging"; Align-GVGD: "Class C0"). ClinVar contains an entry for this variant (Variation ID: 1014151). This variant has not been reported in the literature in individuals affected with KCNV2-related conditions. This variant is not present in population databases (gnomAD no frequency). This sequence change replaces arginine, which is basic and polar, with histidine, which is basic and polar, at codon 332 of the KCNV2 protein (p.Arg332His).